The following is an entry in ClinVar:

ClinVar aggregate classification (germline): Uncertain significance. Review status: criteria provided, multiple submitters, no conflicts (2 of 4 stars). 2 submissions from 2 submitters: Uncertain significance (2). Last evaluated 2020-01-01.

Conditions:
Spinocerebellar ataxia type 14 (SCA14). Identifiers: Orphanet 98763, MedGen C1854369, MONDO:0011540, OMIM 605361.

Allele frequency attached by ClinVar (database versions not stated): ExAC 0.00002; gnomAD exomes 0.00002.
gnomAD v4.1: 6 of 1,614,128 alleles (0.00037%); highest among the groups gnomAD compares: East Asian, 0.0022%; no homozygotes.

Submissions (2):

CeGaT Center for Human Genetics Tuebingen
Classification: Uncertain significance. Last evaluated: 2020-01-01. Review status: criteria provided, single submitter. Criteria: CeGaT Center For Human Genetics Tuebingen Variant Classification Criteria Version 2. Collection method: clinical testing. Allele origin: germline. Affected: yes. Observed: 1 variant allele.

Centre for Mendelian Genomics, University Medical Centre Ljubljana
Classification: Uncertain significance for Spinocerebellar ataxia type 14. Last evaluated: 2018-11-05. Review status: criteria provided, single submitter. Criteria: ACMG Guidelines, 2015. Collection method: clinical testing. Allele origin: unknown. Affected: yes.
Comment: This variant was classified as: Uncertain significance. The available evidence on this variant's pathogenicity is insufficient or conflicting. The following ACMG criteria were applied in classifying this variant: PP3.

NM_002739.5(PRKCG):c.1382C>T (p.Ala461Val)

Gene: PRKCG (protein kinase C gamma; plus strand). Cytogenetic location: 19q13.42.
Variant type: single nucleotide variant.
Coding change: c.1382C>T on transcript NM_002739.5 (MANE Select); coding-DNA position 1382, C replaced by T.
Protein change: p.Ala461Val; replaces alanine 461 with valine.
Molecular consequence: missense variant.
Genome position (GRCh38, 1-based): chr19:53,900,427, C>T. VCF-style: chr19-53900427-C-T. GRCh37 (hg19) VCF-style: chr19-54403681-C-T.
Other names: c.1382C>T, p.Ala461Val (NM_001316329.2); short protein forms A461V.
Identifiers: ClinVar variation 871359 (VCV000871359.44), dbSNP rs751774653, ClinGen allele CA9640596.